The following is an entry in ClinVar:

NM_194318.4(B3GLCT):c.1447G>A (p.Glu483Lys)

Gene: B3GLCT (beta 3-glucosyltransferase; plus strand). Cytogenetic location: 13q12.3.
Variant type: single nucleotide variant.
Coding change: c.1447G>A on transcript NM_194318.4 (MANE Select); coding-DNA position 1447, G replaced by A.
Protein change: p.Glu483Lys; replaces glutamic acid 483 with lysine.
Molecular consequence: missense variant.
Genome position (GRCh38, 1-based): chr13:31,329,618, G>A. VCF-style: chr13-31329618-G-A. GRCh37 (hg19) VCF-style: chr13-31903755-G-A.
Other names: short protein forms E483K.
Identifiers: ClinVar variation 661341 (VCV000661341.9), dbSNP rs780383474, ClinGen allele CA6936935.

ClinVar aggregate classification (germline): Uncertain significance (1 of 4 stars; one submission).

Conditions:
Peters plus syndrome. Also called: KRAUSE-KIVLIN SYNDROME. Identifiers: Orphanet 709, MedGen C0796012, MONDO:0009856, OMIM 261540.

Allele frequency attached by ClinVar (database versions not stated): gnomAD 0.00001 and 0.00005; TOPMed 0.00010.
gnomAD v4.1: 33 of 1,614,074 alleles (0.002%); highest among the groups gnomAD compares: Admixed American, 0.0033%; no homozygotes.

Submission:

Labcorp Genetics (formerly Invitae), Labcorp
Classification: Uncertain significance for Peters plus syndrome. Last evaluated: 2025-06-23. Review status: criteria provided, single submitter. Criteria: Invitae Variant Classification Sherloc (09022015). Collection method: clinical testing. Allele origin: germline.
Comment: This sequence change replaces glutamic acid, which is acidic and polar, with lysine, which is basic and polar, at codon 483 of the B3GLCT protein (p.Glu483Lys). This variant is present in population databases (rs780383474, gnomAD 0.01%). This variant has not been reported in the literature in individuals affected with B3GLCT-related conditions. ClinVar contains an entry for this variant (Variation ID: 661341). Invitae Evidence Modeling of protein sequence and biophysical properties (such as structural, functional, and spatial information, amino acid conservation, physicochemical variation, residue mobility, and thermodynamic stability) indicates that this missense variant is not expected to disrupt B3GLCT protein function with a negative predictive value of 80%. In summary, the available evidence is currently insufficient to determine the role of this variant in disease. Therefore, it has been classified as a Variant of Uncertain Significance.